The following is an entry in ClinVar:

NM_001040142.2(SCN2A):c.2512C>A (p.Leu838Ile)

Gene: SCN2A (sodium voltage-gated channel alpha subunit 2; plus strand). Cytogenetic location: 2q24.3.
Variant type: single nucleotide variant.
Coding change: c.2512C>A on transcript NM_001040142.2 (MANE Select); coding-DNA position 2512, C replaced by A.
Protein change: p.Leu838Ile; replaces leucine 838 with isoleucine.
Molecular consequence: missense variant.
Genome position (GRCh38, 1-based): chr2:165,342,419, C>A. VCF-style: chr2-165342419-C-A. GRCh37 (hg19) VCF-style: chr2-166198929-C-A.
Other names: c.2512C>A, p.Leu838Ile (NM_001040143.2, NM_001371246.1, NM_001371247.1 and 1 more transcripts); short protein forms L838I.
Identifiers: ClinVar variation 2941167 (VCV002941167.4), dbSNP rs2467999242, ClinGen allele CA349012769.

ClinVar aggregate classification (germline): Uncertain significance. Review status: criteria provided, multiple submitters, no conflicts (2 of 4 stars). 2 submissions from 2 submitters: Uncertain significance (2). Last evaluated 2023-08-02.

Conditions:
Seizures, benign familial infantile, 3 (BFIS3). Also called: CONVULSIONS, BENIGN FAMILIAL INFANTILE, 3; Familial neonatal seizures. Identifiers: Orphanet 140927, Orphanet 306, MedGen C1843140, MONDO:0011904, OMIM 607745.
Developmental and epileptic encephalopathy, 11 (DEE11). Also called: Early infantile epileptic encephalopathy 11. Identifiers: Orphanet 1934, MedGen C3150987, MONDO:0013388, OMIM 613721.

Submissions (2):

3billion
Classification: Uncertain significance for Seizures, benign familial infantile, 3. Last evaluated: 2023-08-02. Review status: criteria provided, single submitter. Criteria: ACMG Guidelines, 2015. Collection method: clinical testing. Allele origin: germline. Affected: yes.
Comment: The variant is not observed in the gnomAD v2.1.1 dataset. Predicted Consequence/Location: Missense variant In silico tool predictions suggest damaging effect of the variant on gene or gene product [REVEL: 0.75 (>=0.6, sensitivity 0.68 and specificity 0.92); 3Cnet: 0.50 (>=0.6, sensitivity 0.72 and precision 0.9)]. Therefore, this variant is classified as VUS according to the recommendation of ACMG/AMP guideline.

Labcorp Genetics (formerly Invitae), Labcorp
Classification: Uncertain significance for Seizures, benign familial infantile, 3; Developmental and epileptic encephalopathy, 11. Last evaluated: 2022-10-31. Review status: criteria provided, single submitter. Criteria: Invitae Variant Classification Sherloc (09022015). Collection method: clinical testing. Allele origin: germline.
Comment: In summary, the available evidence is currently insufficient to determine the role of this variant in disease. Therefore, it has been classified as a Variant of Uncertain Significance. Advanced modeling of protein sequence and biophysical properties (such as structural, functional, and spatial information, amino acid conservation, physicochemical variation, residue mobility, and thermodynamic stability) performed at Invitae indicates that this missense variant is expected to disrupt SCN2A protein function. This variant has not been reported in the literature in individuals affected with SCN2A-related conditions. This variant is not present in population databases (gnomAD no frequency). This sequence change replaces leucine, which is neutral and non-polar, with isoleucine, which is neutral and non-polar, at codon 838 of the SCN2A protein (p.Leu838Ile).